The following is an entry in ClinVar:

NM_014714.4(IFT140):c.1427G>C (p.Ser476Thr)

Genes: IFT140 (intraflagellar transport 140; minus strand), LOC105371046 (uncharacterized LOC105371046; plus strand). Cytogenetic location: 16p13.3.
Variant type: single nucleotide variant.
Coding change: c.1427G>C on transcript NM_014714.4 (MANE Select); coding-DNA position 1427, G replaced by C.
Protein change: p.Ser476Thr; replaces serine 476 with threonine.
Molecular consequence: missense variant.
Genome position (GRCh38, 1-based): chr16:1,583,319, C>G on the plus strand (G>C on the coding strand, the complement: IFT140 is on the minus strand). VCF-style: chr16-1583319-C-G. GRCh37 (hg19) VCF-style: chr16-1633320-C-G.
Other names: short protein forms S476T.
Identifiers: ClinVar variation 1717726 (VCV001717726.5), dbSNP rs2034677678, ClinGen allele CA394213484.
Genomic context (GRCh38, chr16:1,583,319, plus strand): 5'-GGAGGAAATAAAGCCAGGTAGTGGGAGTGCCTCTGTCCGGGTGAAAAGAACCCACCTGCA[C>G]TCCGTATCGCGGCTCCAGAAAGCTCGAAGATCGCCACCTGCCTTCCGTTCCAGACTGCGA-3'
Protein context (NP_055529.2, residues 466-486): IFELSGAAIR[Ser476Thr]AGTFLCETPV

ClinVar aggregate classification (germline): Uncertain significance (1 of 4 stars; one submission).

Conditions:
Saldino-Mainzer syndrome (SRTD9). Also called: CONORENAL SYNDROME; short-rib thoracic dysplasia 9 with or without polydactyly; Renal dysplasia, retinal pigmentary dystrophy, cerebellar ataxia and skeletal dysplasia; SHORT-RIB THORACIC DYSPLASIA 9 WITHOUT POLYDACTYLY. Identifiers: Orphanet 140969, MedGen C1849437, MONDO:0009964, OMIM 266920.

Submission:

Labcorp Genetics (formerly Invitae), Labcorp
Classification: Uncertain significance for Saldino-Mainzer syndrome. Last evaluated: 2022-08-22. Review status: criteria provided, single submitter. Criteria: Invitae Variant Classification Sherloc (09022015). Collection method: clinical testing. Allele origin: germline.
Comment: In summary, the available evidence is currently insufficient to determine the role of this variant in disease. Therefore, it has been classified as a Variant of Uncertain Significance. Algorithms developed to predict the effect of missense changes on protein structure and function output the following: SIFT: "Tolerated"; PolyPhen-2: "Benign"; Align-GVGD: "Class C0". The threonine amino acid residue is found in multiple mammalian species, which suggests that this missense change does not adversely affect protein function. This variant has not been reported in the literature in individuals affected with IFT140-related conditions. This variant is not present in population databases (gnomAD no frequency). This sequence change replaces serine, which is neutral and polar, with threonine, which is neutral and polar, at codon 476 of the IFT140 protein (p.Ser476Thr).